The following is an entry in ClinVar:

NM_001377265.1(MAPT):c.2349G>A (p.Glu783=)

Gene: MAPT (microtubule associated protein tau). Cytogenetic location: 17q21.31.
Variant type: single nucleotide variant.
Coding change: c.2349G>A on transcript NM_001377265.1 (MANE Select); coding-DNA position 2349, G replaced by A.
Protein change: p.Glu783=; no amino-acid change (glutamic acid 783 retained).
Molecular consequence: synonymous variant. On other transcripts: non-coding transcript variant (1), intron variant (1).
Genome position (GRCh38, 1-based): chr17:46,024,018, G>A. VCF-style: chr17-46024018-G-A. GRCh37 (hg19) VCF-style: chr17-44101384-G-A.
Other names: c.2178G>A, p.Glu726= (NM_001123066.4); c.1086G>A, p.Glu362= (NM_001123067.4); c.993G>A, p.Glu331= (NM_001203251.2); c.1080G>A, p.Glu360= (NM_001203252.2); c.2058G>A, p.Glu686= (NM_001377266.1); c.906G>A, p.Glu302= (NM_001377268.1, NM_016841.5); c.1173G>A, p.Glu391= (NM_005910.6); c.999G>A, p.Glu333= (NM_016834.5); and 2 more.
Identifiers: ClinVar variation 804998 (VCV000804998.40), dbSNP rs142776675, ClinGen allele CA8618256.

ClinVar aggregate classification (germline): Benign/Likely benign. Review status: criteria provided, multiple submitters, no conflicts (2 of 4 stars). 3 submissions from 3 submitters: Benign (1); Likely benign (2). Last evaluated 2026-04-01.

Conditions:
Frontotemporal dementia (FTD1). Also called: MULTIPLE SYSTEM TAUOPATHY WITH PRESENILE DEMENTIA; WILHELMSEN-LYNCH DISEASE; Dementia, frontotemporal, with or without parkinsonism; Frontotemporal Dementia with Parkinsonism-17 (FTDP-17); FRONTOTEMPORAL DEMENTIA WITH PARKINSONISM; FRONTOTEMPORAL LOBE DEMENTIA. Identifiers: Orphanet 282, MedGen C0338451, MONDO:0017276, OMIM 600274, HP:0002145.

Allele frequency attached by ClinVar (database versions not stated): ESP Exome Variant Server 0.00015; gnomAD exomes 0.00020; ExAC 0.00004; TOPMed 0.00009; gnomAD 0.00011.
gnomAD v4.1: 313 of 1,614,016 alleles (0.019%); highest among the groups gnomAD compares: Non-Finnish European, 0.025%; no homozygotes.

Submissions (3):

CeGaT Center for Human Genetics Tuebingen
Classification: Likely benign. Last evaluated: 2026-04-01. Review status: criteria provided, single submitter. Criteria: CeGaT Center For Human Genetics Tuebingen Variant Classification Criteria Version 2. Collection method: clinical testing. Allele origin: germline. Affected: yes. Observed: 2 variant alleles.
Comment: MAPT: BP4, BP7

Labcorp Genetics (formerly Invitae), Labcorp
Classification: Likely benign for Frontotemporal dementia. Last evaluated: 2025-07-10. Review status: criteria provided, single submitter. Criteria: Invitae Variant Classification Sherloc (09022015). Collection method: clinical testing. Allele origin: germline.

Athena Diagnostics
Classification: Benign. Last evaluated: 2025-04-28. Review status: criteria provided, single submitter. Criteria: Athena Diagnostics Criteria. Collection method: clinical testing. Allele origin: unknown.
Comment: The frequency of this variant in the general population is higher than would generally be expected for pathogenic variants in this gene. Computational tools yielded predictions that this variant is unlikely to have an effect on normal RNA splicing. This nucleotide position exhibits low evolutionary conservation.